The following is an entry in ClinVar:

ClinVar aggregate classification (germline): Conflicting classifications of pathogenicity. Review status: criteria provided, conflicting classifications (1 of 4 stars). 2 submissions from 2 submitters: Uncertain significance (1); Likely benign (1). Last evaluated 2025-11-05.

Conditions:
Hereditary cancer-predisposing syndrome. Also called: Hereditary Cancer Syndrome; Hereditary neoplastic syndrome; Neoplastic Syndromes, Hereditary; Tumor predisposition. Identifiers: Orphanet 140162, MedGen C0027672, MeSH D009386, MONDO:0015356.
Hereditary breast ovarian cancer syndrome. Also called: Hereditary breast and ovarian cancer syndrome (HBOC); Hereditary breast and ovarian cancer syndrome; Breast and ovarian cancer; Hereditary breast and/or ovarian cancer syndrome; Hereditary breast and ovarian cancer; BRCA1- and BRCA2-Associated Hereditary Breast and Ovarian Cancer. Identifiers: Orphanet 145, MedGen C0677776, MeSH D061325, MONDO:0003582. Disease mechanism: loss of function.

Allele frequency attached by ClinVar (database versions not stated): gnomAD exomes below 0.00001.

Submissions (2):

Labcorp Genetics (formerly Invitae), Labcorp
Classification: Uncertain significance for Hereditary breast ovarian cancer syndrome. Last evaluated: 2025-11-05. Review status: criteria provided, single submitter. Criteria: Invitae Variant Classification Sherloc (09022015). Collection method: clinical testing. Allele origin: germline.
Comment: This sequence change replaces methionine, which is neutral and non-polar, with valine, which is neutral and non-polar, at codon 1510 of the BRCA1 protein (p.Met1510Val). This variant is not present in population databases (gnomAD no frequency). This variant has not been reported in the literature in individuals affected with BRCA1-related conditions. ClinVar contains an entry for this variant (Variation ID: 1741241). Invitae Evidence Modeling of protein sequence and biophysical properties (such as structural, functional, and spatial information, amino acid conservation, physicochemical variation, residue mobility, and thermodynamic stability) indicates that this missense variant is not expected to disrupt BRCA1 protein function with a negative predictive value of 95%. In summary, the available evidence is currently insufficient to determine the role of this variant in disease. Therefore, it has been classified as a Variant of Uncertain Significance.

Ambry Genetics
Classification: Likely benign for Hereditary cancer-predisposing syndrome. Last evaluated: 2021-06-01. Review status: criteria provided, single submitter. Criteria: Ambry Variant Classification Scheme 2023. Collection method: clinical testing. Allele origin: germline.

NM_007294.4(BRCA1):c.4528A>G (p.Met1510Val)

Gene: BRCA1 (BRCA1 DNA repair associated; minus strand). Cytogenetic location: 17q21.31.
Variant type: single nucleotide variant.
Coding change: c.4528A>G on transcript NM_007294.4 (MANE Select); coding-DNA position 4528, A replaced by G.
Protein change: p.Met1510Val; replaces methionine 1510 with valine.
Molecular consequence: missense variant. On other transcripts: non-coding transcript variant (1).
Genome position (GRCh38, 1-based): chr17:43,074,478, T>C on the plus strand (A>G on the coding strand, the complement: BRCA1 is on the minus strand). VCF-style: chr17-43074478-T-C. GRCh37 (hg19) VCF-style: chr17-41226495-T-C.
Other names: c.4315A>G, p.Met1439Val (NM_001407571.1, NM_001407894.1, NM_001407895.1 and 12 more transcripts); c.4594A>G, p.Met1532Val (NM_001407581.1, NM_001407582.1); c.4591A>G, p.Met1531Val (NM_001407583.1, NM_001407585.1, NM_001407587.1 and 1 more transcripts); c.4588A>G, p.Met1530Val (NM_001407590.1, NM_001407591.1); c.4528A>G, p.Met1510Val (NM_001407593.1, NM_001407594.1, NM_001407596.1 and 8 more transcripts); c.4525A>G, p.Met1509Val (NM_001407610.1, NM_001407611.1, NM_001407612.1 and 17 more transcripts); c.4522A>G, p.Met1508Val (NM_001407627.1, NM_001407628.1, NM_001407629.1 and 14 more transcripts); c.4405A>G, p.Met1469Val (NM_001407919.1, NM_001407937.1, NM_001407938.1 and 6 more transcripts); and 68 more; short protein forms M1383V, M1399V, M1422V, M1441V, M1461V, M1484V, M1505V, M1508V.
Identifiers: ClinVar variation 1741241 (VCV001741241.7), dbSNP rs1253680250, ClinGen allele CA10592466.
Genomic context (GRCh38, chr17:43,074,478, plus strand): 5'-TAATGAGCTCCTCTTGAGATGGGTAGTTTCTATTCTGAAGACTCCCAGAGCAACTGTGCA[T>C]GTACCACCTATCATCTAATGATGGGCATTTAGAAGGGGATGACCTAGAAAGATAAATGGA-3'
Protein context (NP_009225.1, residues 1500-1520): KCPSLDDRWY[Met1510Val]HSCSGSLQNR